The following is an entry in ClinVar:

ClinVar aggregate classification (germline): Uncertain significance (1 of 4 stars; one submission).

Conditions:
Duchenne muscular dystrophy (DMD). Also called: MUSCULAR DYSTROPHY, PSEUDOHYPERTROPHIC PROGRESSIVE, DUCHENNE TYPE; Duchenne Muscular Dystrophy (DMD). Identifiers: Orphanet 98896, MedGen C0013264, MONDO:0010679, OMIM 310200.

Submission:

Labcorp Genetics (formerly Invitae), Labcorp
Classification: Uncertain significance for Duchenne muscular dystrophy. Last evaluated: 2024-12-04. Review status: criteria provided, single submitter. Criteria: Invitae Variant Classification Sherloc (09022015). Collection method: clinical testing. Allele origin: germline.
Comment: This sequence change replaces threonine, which is neutral and polar, with proline, which is neutral and non-polar, at codon 526 of the DMD protein (p.Thr526Pro). This variant is not present in population databases (gnomAD no frequency). This variant has not been reported in the literature in individuals affected with DMD-related conditions. Invitae Evidence Modeling of protein sequence and biophysical properties (such as structural, functional, and spatial information, amino acid conservation, physicochemical variation, residue mobility, and thermodynamic stability) indicates that this missense variant is not expected to disrupt DMD protein function with a negative predictive value of 95%. In summary, the available evidence is currently insufficient to determine the role of this variant in disease. Therefore, it has been classified as a Variant of Uncertain Significance.

NM_004006.3(DMD):c.1576A>C (p.Thr526Pro)

Gene: DMD (dystrophin; minus strand). Cytogenetic location: Xp21.1.
Variant type: single nucleotide variant.
Coding change: c.1576A>C on transcript NM_004006.3 (MANE Select); coding-DNA position 1576, A replaced by C.
Protein change: p.Thr526Pro; replaces threonine 526 with proline.
Molecular consequence: missense variant.
Genome position (GRCh38, 1-based): chrX:32,595,783, T>G on the plus strand (A>C on the coding strand, the complement: DMD is on the minus strand). VCF-style: chrX-32595783-T-G. GRCh37 (hg19) VCF-style: chrX-32613900-T-G.
Other names: c.1552A>C, p.Thr518Pro (NM_000109.4); c.1564A>C, p.Thr522Pro (NM_004009.3); c.1207A>C, p.Thr403Pro (NM_004010.3); short protein forms T403P, T518P, T522P, T526P.
Identifiers: ClinVar variation 3690526 (VCV003690526.2).